The following is an entry in ClinVar:

ClinVar aggregate classification (germline): Uncertain significance. Review status: criteria provided, multiple submitters, no conflicts (2 of 4 stars). 2 submissions from 2 submitters: Uncertain significance (2). Last evaluated 2023-11-07.

Conditions:
Inborn genetic diseases. Identifiers: MedGen C0950123, MeSH D030342.

Allele frequency attached by ClinVar (database versions not stated): ExAC 0.00001; gnomAD 0.00001; TOPMed 0.00001; gnomAD exomes 0.00015.
gnomAD v4.1: 206 of 1,608,116 alleles (0.013%); highest among the groups gnomAD compares: Non-Finnish European, 0.017%; no homozygotes.

Submissions (2):

Ambry Genetics
Classification: Uncertain significance for Inborn genetic diseases. Last evaluated: 2023-11-07. Review status: criteria provided, single submitter. Criteria: Ambry Variant Classification Scheme 2023. Collection method: clinical testing. Allele origin: germline.

Labcorp Genetics (formerly Invitae), Labcorp
Classification: Uncertain significance. Last evaluated: 2022-02-11. Review status: criteria provided, single submitter. Criteria: Invitae Variant Classification Sherloc (09022015). Collection method: clinical testing. Allele origin: germline.
Comment: Algorithms developed to predict the effect of missense changes on protein structure and function output the following: SIFT: "Not Available"; PolyPhen-2: "Benign"; Align-GVGD: "Not Available". The phenylalanine amino acid residue is found in multiple mammalian species, which suggests that this missense change does not adversely affect protein function. This variant has not been reported in the literature in individuals affected with DDRGK1-related conditions. This variant is present in population databases (rs527960475, gnomAD 0.005%). This sequence change replaces serine, which is neutral and polar, with phenylalanine, which is neutral and non-polar, at codon 236 of the DDRGK1 protein (p.Ser236Phe). In summary, the available evidence is currently insufficient to determine the role of this variant in disease. Therefore, it has been classified as a Variant of Uncertain Significance.

NM_023935.3(DDRGK1):c.707C>T (p.Ser236Phe)

Gene: DDRGK1 (DDRGK domain containing 1; minus strand). Cytogenetic location: 20p13.
Variant type: single nucleotide variant.
Coding change: c.707C>T on transcript NM_023935.3 (MANE Select); coding-DNA position 707, C replaced by T.
Protein change: p.Ser236Phe; replaces serine 236 with phenylalanine.
Molecular consequence: missense variant.
Genome position (GRCh38, 1-based): chr20:3,191,787, G>A on the plus strand (C>T on the coding strand, the complement: DDRGK1 is on the minus strand). VCF-style: chr20-3191787-G-A. GRCh37 (hg19) VCF-style: chr20-3172433-G-A.
Other names: c.707C>T (NM_023935.1); short protein forms S236F.
Identifiers: ClinVar variation 1907359 (VCV001907359.5), dbSNP rs527960475, ClinGen allele CA9740808.